The following is an entry in ClinVar:

NM_001082486.2(ACD):c.308T>C (p.Val103Ala)

Gene: ACD (ACD shelterin complex subunit and telomerase recruitment factor; minus strand). Cytogenetic location: 16q22.1.
Variant type: single nucleotide variant.
Coding change: c.308T>C on transcript NM_001082486.2 (MANE Select); coding-DNA position 308, T replaced by C.
Protein change: p.Val103Ala; replaces valine 103 with alanine.
Molecular consequence: missense variant.
Genome position (GRCh38, 1-based): chr16:67,659,730, A>G on the plus strand (T>C on the coding strand, the complement: ACD is on the minus strand). VCF-style: chr16-67659730-A-G. GRCh37 (hg19) VCF-style: chr16-67693633-A-G.
Other names: c.308T>C, p.Val103Ala (NM_001410884.1); c.299T>C, p.Val100Ala (NM_022914.3); short protein forms V103A, V100A.
Identifiers: ClinVar variation 1748968 (VCV001748968.2), dbSNP rs1597773252, ClinGen allele CA396355871.
Genomic context (GRCh38, chr16:67,659,730, plus strand): 5'-GGTAACCCGCCCAAGGCAGTCTCACCACTCACCGCGCCGCCCTCAGCGACCTGGACATGA[A>G]CCCCGCAGTCCTGCAGCAGCAGCAGCCGGCCCTCTGTCCCGCGGAAGCCGAACTCCTTCT-3'
Protein context (NP_001075955.2, residues 93-113): GRLLLLQDCG[Val103Ala]HVQVAEGGAP

ClinVar aggregate classification (germline): Uncertain significance (1 of 4 stars; one submission).

Conditions:
Inborn genetic diseases. Identifiers: MedGen C0950123, MeSH D030342.

Submission:

Ambry Genetics
Classification: Uncertain significance for Inborn genetic diseases. Last evaluated: 2021-08-18. Review status: criteria provided, single submitter. Criteria: Ambry Variant Classification Scheme 2023. Collection method: clinical testing. Allele origin: germline.
Comment: The p.V189A variant (also known as c.566T>C), located in coding exon 3 of the ACD gene, results from a T to C substitution at nucleotide position 566. The valine at codon 189 is replaced by alanine, an amino acid with similar properties. This amino acid position is conserved. In addition, this alteration is predicted to be tolerated by in silico analysis. Since supporting evidence is limited at this time, the clinical significance of this alteration remains unclear.